The following is an entry in ClinVar:

NM_002860.4(ALDH18A1):c.2194C>T (p.Arg732Cys)

Gene: ALDH18A1 (aldehyde dehydrogenase 18 family member A1; minus strand). Cytogenetic location: 10q24.1.
Variant type: single nucleotide variant.
Coding change: c.2194C>T on transcript NM_002860.4 (MANE Select); coding-DNA position 2194, C replaced by T.
Protein change: p.Arg732Cys; replaces arginine 732 with cysteine.
Molecular consequence: missense variant.
Genome position (GRCh38, 1-based): chr10:95,610,209, G>A on the plus strand (C>T on the coding strand, the complement: ALDH18A1 is on the minus strand). VCF-style: chr10-95610209-G-A. GRCh37 (hg19) VCF-style: chr10-97369966-G-A.
Other names: c.2188C>T, p.Arg730Cys (NM_001017423.2, NM_001323415.2); c.1861C>T, p.Arg621Cys (NM_001323412.2, NM_001323416.2); c.2194C>T, p.Arg732Cys (NM_001323413.2, NM_001323414.2); c.2089C>T, p.Arg697Cys (NM_001323417.2); c.1855C>T, p.Arg619Cys (NM_001323418.2); c.1558C>T, p.Arg520Cys (NM_001323419.2); short protein forms R732C, R520C, R697C, R621C, R730C, R619C.
Identifiers: ClinVar variation 301757 (VCV000301757.10), dbSNP rs760203992, ClinGen allele CA5620119.

ClinVar aggregate classification (germline): Uncertain significance. Review status: criteria provided, multiple submitters, no conflicts (2 of 4 stars). 3 submissions from 3 submitters: Uncertain significance (3). Last evaluated 2024-07-03.

Conditions:
ALDH18A1-related de Barsy syndrome. Also called: Cutis laxa, autosomal recessive IIIA; DE BARSY SYNDROME A. Identifiers: Orphanet 2962, Orphanet 35664, MedGen C5234852, MONDO:0009053, OMIM 219150.
Cutis laxa, autosomal dominant 3 (ADCL3). Identifiers: Orphanet 90348, MedGen C4225268, MONDO:0014706, OMIM 616603.
Autosomal dominant spastic paraplegia type 9. Identifiers: MedGen C1832669, MONDO:0015091.
de Barsy syndrome. Also called: Cutis laxa-corneal clouding-oligophrenia syndrome. Identifiers: Orphanet 2962, MedGen C0268354, MONDO:0017569.

Allele frequency attached by ClinVar (database versions not stated): gnomAD exomes below 0.00001 and 0.00001; ExAC 0.00001; gnomAD 0.00001; TOPMed 0.00001.
gnomAD v4.1: 12 of 1,613,872 alleles (0.00074%); highest among the groups gnomAD compares: East Asian, 0.0022%; no homozygotes.

Submissions (3):

GeneDx
Classification: Uncertain significance. Last evaluated: 2024-07-03. Review status: criteria provided, single submitter. Criteria: GeneDx Variant Classification Process June 2021. Collection method: clinical testing. Allele origin: germline. Affected: yes.
Comment: Not observed at significant frequency in large population cohorts (gnomAD); In silico analysis supports that this missense variant has a deleterious effect on protein structure/function; Has not been previously published as pathogenic or benign to our knowledge

Labcorp Genetics (formerly Invitae), Labcorp
Classification: Uncertain significance for Autosomal dominant spastic paraplegia type 9; de Barsy syndrome; Cutis laxa, autosomal dominant 3. Last evaluated: 2023-11-17. Review status: criteria provided, single submitter. Criteria: Invitae Variant Classification Sherloc (09022015). Collection method: clinical testing. Allele origin: germline.
Comment: This sequence change replaces arginine, which is basic and polar, with cysteine, which is neutral and slightly polar, at codon 732 of the ALDH18A1 protein (p.Arg732Cys). This variant is present in population databases (rs760203992, gnomAD 0.002%). This variant has not been reported in the literature in individuals affected with ALDH18A1-related conditions. ClinVar contains an entry for this variant (Variation ID: 301757). Advanced modeling of protein sequence and biophysical properties (such as structural, functional, and spatial information, amino acid conservation, physicochemical variation, residue mobility, and thermodynamic stability) performed at Invitae indicates that this missense variant is expected to disrupt ALDH18A1 protein function with a positive predictive value of 80%. In summary, the available evidence is currently insufficient to determine the role of this variant in disease. Therefore, it has been classified as a Variant of Uncertain Significance.

Illumina Laboratory Services, Illumina
Classification: Uncertain significance for ALDH18A1-related de Barsy syndrome. Last evaluated: 2018-01-13. Review status: criteria provided, single submitter. Criteria: ICSL Variant Classification Criteria 13 December 2019. Collection method: clinical testing. Allele origin: germline.